The following is an entry in ClinVar:

ClinVar aggregate classification (germline): Conflicting classifications of pathogenicity. Review status: criteria provided, conflicting classifications (1 of 4 stars). 6 submissions from 6 submitters: Uncertain significance (1); Benign (1); Likely benign (3). 1 of the submissions does not count toward it. Last evaluated 2024-11-27.

Conditions:
Occult macular dystrophy (OCMD). Also called: OMD; OCCULT MACULAR DYSTROPHY, SUSCEPTIBILITY TO. Identifiers: Orphanet 247834, MedGen C3150833, MONDO:0013316, OMIM 613587, HP:0030636.
RP1L1-related disorder. Also called: RP1L1-related condition.
Retinal dystrophy. Also called: Inherited retinal dystrophy. Identifiers: Orphanet 71862, MedGen C0854723, MeSH D058499, MONDO:0019118, HP:0000556.

Allele frequency attached by ClinVar (database versions not stated): 1000 Genomes Project 0.00140; 1000 Genomes Project 30x 0.00156; gnomAD 0.00198 and 0.00201; ESP Exome Variant Server 0.00218; TOPMed 0.00219.
gnomAD v4.1: 4,668 of 1,613,162 alleles (0.29%); highest among the groups gnomAD compares: Middle Eastern, 0.43%; 14 homozygotes.

Submissions (6):

Blueprint Genetics
Classification: Likely benign. Last evaluated: 2024-11-27. Review status: criteria provided, single submitter. Criteria: ACMG Guidelines, 2015. Collection method: clinical testing. Allele origin: germline.

CeGaT Center for Human Genetics Tuebingen
Classification: Likely benign. Last evaluated: 2023-10-01. Review status: criteria provided, single submitter. Criteria: CeGaT Center For Human Genetics Tuebingen Variant Classification Criteria Version 2. Collection method: clinical testing. Allele origin: germline. Affected: yes. Observed: 7 variant alleles.
Comment: RP1L1: BP4, BS2

Institute of Human Genetics, Univ. Regensburg, Univ. Regensburg
Classification: Uncertain significance for Retinal dystrophy. Last evaluated: 2021-01-01. Review status: criteria provided, single submitter. Criteria: ACMG Guidelines, 2015. Collection method: clinical testing. Allele origin: germline. Affected: yes.

Illumina Laboratory Services, Illumina
Classification: Benign for Occult macular dystrophy. Last evaluated: 2018-01-13. Review status: criteria provided, single submitter. Criteria: ICSL Variant Classification Criteria 13 December 2019. Collection method: clinical testing. Allele origin: germline.
Comment: This variant was observed in the ICSL laboratory as part of a predisposition screen in an ostensibly healthy population. It had not been previously curated by ICSL or reported in the Human Gene Mutation Database (HGMD: prior to June 1st, 2018), and was therefore a candidate for classification through an automated scoring system. Utilizing variant allele frequency, disease prevalence and penetrance estimates, and inheritance mode, an automated score was calculated to assess if this variant is too frequent to cause the disease. Based on the score and internal cut-off values, a variant classified as benign is not then subjected to further curation. The score for this variant resulted in a classification of benign for this disease.

Breakthrough Genomics
Classification: Likely benign. Review status: criteria provided, single submitter. Criteria: ACMG Guidelines, 2015. Collection method: not provided. Allele origin: germline. Inheritance: Autosomal recessive inheritance. Affected: yes.

PreventionGenetics, part of Exact Sciences
Classification: Likely benign for RP1L1-related condition. Last evaluated: 2020-12-21. Review status: no assertion criteria provided. Collection method: clinical testing. Allele origin: germline. Not counted in ClinVar's aggregate classification.
Comment: This variant is classified as likely benign based on ACMG/AMP sequence variant interpretation guidelines (Richards et al. 2015 PMID: 25741868, with internal and published modifications).

Literature cited by the submitters: PubMed 27353947 (cited by Institute of Human Genetics, Univ. Regensburg, Univ. Regensburg); PubMed 29343940 (cited by Institute of Human Genetics, Univ. Regensburg, Univ. Regensburg); PubMed 32483926 (cited by Institute of Human Genetics, Univ. Regensburg, Univ. Regensburg); PubMed 32141364 (cited by Institute of Human Genetics, Univ. Regensburg, Univ. Regensburg); PubMed 34426522 (cited by Institute of Human Genetics, Univ. Regensburg, Univ. Regensburg).

NM_178857.6(RP1L1):c.1138G>A (p.Gly380Arg)

Gene: RP1L1 (RP1 like 1). Cytogenetic location: 8p23.1.
Variant type: single nucleotide variant.
Coding change: c.1138G>A on transcript NM_178857.6 (MANE Select); coding-DNA position 1138, G replaced by A.
Protein change: p.Gly380Arg; replaces glycine 380 with arginine.
Molecular consequence: missense variant.
Genome position (GRCh38, 1-based): chr8:10,612,960, C>T on the plus strand (G>A on the coding strand, the complement: RP1L1 is on the minus strand). VCF-style: chr8-10612960-C-T. GRCh37 (hg19) VCF-style: chr8-10470470-C-T.
Other names: short protein forms G380R.
Identifiers: ClinVar variation 361383 (VCV000361383.50), dbSNP rs184332984, ClinGen allele CA4625299.
Genomic context (GRCh38, chr8:10,612,960, plus strand): 5'-GCCCGCCTCGGCCAAAGACTTCCCTGCATCCCACCCTGCAGGGCCGGGGTCCCCACACCC[C>T]AGGCTCTGAGAAGCCCCAAGGGTAGCCCTCCCACACACAGCAGAGGGGGTCTACCTCCCC-3'
Protein context (NP_849188.4, residues 370-390): EGYPWGFSEP[Gly380Arg]VWGPRPCRVG